The following is an entry in ClinVar:

NM_001089.3(ABCA3):c.1111+6C>G

Gene: ABCA3 (ATP binding cassette subfamily A member 3; minus strand). Cytogenetic location: 16p13.3.
Variant type: single nucleotide variant.
Coding change: c.1111+6C>G on transcript NM_001089.3 (MANE Select); 6 bases into the intron after coding-DNA position 1111, C replaced by G.
Molecular consequence: intron variant.
Genome position (GRCh38, 1-based): chr16:2,317,277, G>C on the plus strand (C>G on the coding strand, the complement: ABCA3 is on the minus strand). VCF-style: chr16-2317277-G-C. GRCh37 (hg19) VCF-style: chr16-2367278-G-C.
Identifiers: ClinVar variation 4711858 (VCV004711858.1).

ClinVar aggregate classification (germline): Uncertain significance (1 of 4 stars; one submission).

gnomAD v4.1: 1 of 1,613,858 alleles (0.000062%); highest among the groups gnomAD compares: African/African-American, 0.0013%; no homozygotes.

Submission:

Labcorp Genetics (formerly Invitae), Labcorp
Classification: Uncertain significance. Last evaluated: 2025-05-21. Review status: criteria provided, single submitter. Criteria: Invitae Variant Classification Sherloc (09022015). Collection method: clinical testing. Allele origin: germline.
Comment: This sequence change falls in intron 10 of the ABCA3 gene. It does not directly change the encoded amino acid sequence of the ABCA3 protein. It affects a nucleotide within the consensus splice site. This variant is not present in population databases (gnomAD no frequency). This variant has not been reported in the literature in individuals affected with ABCA3-related conditions. Variants that disrupt the consensus splice site are a relatively common cause of aberrant splicing (PMID: 17576681, 9536098). Algorithms developed to predict the effect of sequence changes on RNA splicing suggest that this variant is not likely to affect RNA splicing. In summary, the available evidence is currently insufficient to determine the role of this variant in disease. Therefore, it has been classified as a Variant of Uncertain Significance.

Literature cited by the submitters: PubMed 17576681; PubMed 9536098.